The following is an entry in ClinVar:

NM_000660.7(TGFB1):c.93del (p.Thr32fs)

Gene: TGFB1 (transforming growth factor beta 1; minus strand). Cytogenetic location: 19q13.2.
Variant type: Deletion.
Coding change: c.93del on transcript NM_000660.7 (MANE Select); coding-DNA position 93, one base deleted (C; older notation c.93delC).
Protein change: p.Thr32fs; shifts the reading frame from threonine 32.
Molecular consequence: frameshift variant.
Genome position (GRCh38, 1-based): chr19:41,352,952, G deleted on the plus strand (C on the coding strand, the reverse complement: TGFB1 is on the minus strand); the first of 2 consecutive G bases (chr19:41,352,952-41,352,953); deleting either gives the same sequence. VCF-style (leftmost placement, unchanged base first): chr19-41352951-TG-T. GRCh37 (hg19) VCF-style: chr19-41858856-TG-T.
Other names: short protein forms T32fs.
Identifiers: ClinVar variation 4717487 (VCV004717487.1).

ClinVar aggregate classification (germline): Uncertain significance (1 of 4 stars; one submission).

Submission:

Labcorp Genetics (formerly Invitae), Labcorp
Classification: Uncertain significance. Last evaluated: 2025-04-13. Review status: criteria provided, single submitter. Criteria: Invitae Variant Classification Sherloc (09022015). Collection method: clinical testing. Allele origin: germline.
Comment: This sequence change creates a premature translational stop signal (p.Thr32Profs*10) in the TGFB1 gene. It is expected to result in an absent or disrupted protein product. However, the current clinical and genetic evidence is not sufficient to establish whether loss-of-function variants in TGFB1 cause disease. This variant is not present in population databases (gnomAD no frequency). This variant has not been reported in the literature in individuals affected with TGFB1-related conditions. In summary, the available evidence is currently insufficient to determine the role of this variant in disease. Therefore, it has been classified as a Variant of Uncertain Significance.